The following is an entry in ClinVar:

NM_001042724.2(NECTIN2):c.1043-3719GAG[5]

Gene: NECTIN2 (nectin cell adhesion molecule 2; plus strand). Cytogenetic location: 19q13.32.
Variant type: Microsatellite.
Coding change: c.1043-3719GAG[5] on transcript NM_001042724.2 (MANE Select); five copies in a row of the 3-base unit GAG starting at c.1043-3719.
Molecular consequence: intron variant.
Genome position: GRCh38 VCF-style: chr19-44878491-TGAG-T. GRCh37 (hg19) VCF-style: chr19-45381748-TGAG-T.
Other names: c.1314GGA[5], p.Glu445del (NM_002856.3); short protein forms E445del.
Identifiers: ClinVar variation 3059764 (VCV003059764.2), dbSNP rs558397688, ClinGen allele CA9505326.

ClinVar aggregate classification (germline): Likely benign (0 of 4 stars; one submission).

Conditions:
NECTIN2-related disorder. Also called: NECTIN2-related condition.

Submission:

PreventionGenetics, part of Exact Sciences
Classification: Likely benign for NECTIN2-related condition. Last evaluated: 2020-05-14. Review status: no assertion criteria provided. Collection method: clinical testing. Allele origin: germline.
Comment: This variant is classified as likely benign based on ACMG/AMP sequence variant interpretation guidelines (Richards et al. 2015 PMID: 25741868, with internal and published modifications).